The following is an entry in ClinVar:

NM_001365068.1(ASTN2):c.2482dup (p.Val828fs)

Gene: ASTN2 (astrotactin 2; minus strand). Cytogenetic location: 9q33.1.
Variant type: Duplication.
Coding change: c.2482dup on transcript NM_001365068.1 (MANE Select); coding-DNA position 2482, one base duplicated (G; older notation c.2482dupG).
Protein change: p.Val828fs; shifts the reading frame from valine 828.
Molecular consequence: frameshift variant.
Genome position (GRCh38, 1-based): chr9:116,733,438, C duplicated on the plus strand (G on the coding strand, the reverse complement: ASTN2 is on the minus strand); the first of 6 consecutive C bases (chr9:116,733,438-116,733,443); duplicating any one gives the same sequence. VCF-style (leftmost placement, unchanged base first): chr9-116733437-A-AC. GRCh37 (hg19) VCF-style: chr9-119495716-A-AC.
Other names: c.2470dup, p.Val824fs (NM_001365069.1); c.2329dup, p.Val777fs (NM_014010.5); short protein forms V777fs, V824fs, V828fs.
Identifiers: ClinVar variation 4995767 (VCV004995767.1).

ClinVar aggregate classification (germline): Uncertain significance (1 of 4 stars; one submission).

Conditions:
ASTN2-related disorder. Also called: ASTN2-related condition.

Submission:

PreventionGenetics, part of Exact Sciences
Classification: Uncertain significance for ASTN2-related condition. Last evaluated: 2026-06-23. Review status: criteria provided, single submitter. Criteria: ACMG Guidelines, 2015. Collection method: clinical testing. Allele origin: germline.
Comment: The ASTN2 c.2329dupG variant is predicted to result in a frameshift and premature protein termination (p.Val777Glyfs*19). To our knowledge, this variant has not been reported in the literature or in a large population database (gnomAD), indicating this variant is rare. At this time, the clinical significance of this variant is uncertain due to the absence of conclusive functional and genetic evidence.